The following is an entry in ClinVar:

ClinVar aggregate classification (germline): Uncertain significance (1 of 4 stars; one submission).

Conditions:
Charcot-Marie-Tooth disease type 2. Also called: Charcot-Marie-Tooth type 2. Identifiers: Orphanet 64746, MedGen C0270914, MONDO:0018993.

Allele frequency attached by ClinVar (database versions not stated): gnomAD exomes below 0.00001.
gnomAD v4.1: 2 of 1,591,698 alleles (0.00013%); highest among the groups gnomAD compares: Non-Finnish European, 0.00017%; no homozygotes.

Submission:

Labcorp Genetics (formerly Invitae), Labcorp
Classification: Uncertain significance for Charcot-Marie-Tooth disease type 2. Last evaluated: 2022-02-08. Review status: criteria provided, single submitter. Criteria: Invitae Variant Classification Sherloc (09022015). Collection method: clinical testing. Allele origin: germline.
Comment: In summary, the available evidence is currently insufficient to determine the role of this variant in disease. Therefore, it has been classified as a Variant of Uncertain Significance. Algorithms developed to predict the effect of missense changes on protein structure and function are either unavailable or do not agree on the potential impact of this missense change (SIFT: "Deleterious"; PolyPhen-2: "Probably Damaging"; Align-GVGD: "Class C0"). This variant has not been reported in the literature in individuals affected with AARS-related conditions. This variant is not present in population databases (gnomAD no frequency). This sequence change replaces tyrosine, which is neutral and polar, with serine, which is neutral and polar, at codon 667 of the AARS protein (p.Tyr667Ser).

NM_001605.3(AARS1):c.2000A>C (p.Tyr667Ser)

Gene: AARS1 (alanyl-tRNA synthetase 1; minus strand). Cytogenetic location: 16q22.1.
Variant type: single nucleotide variant.
Coding change: c.2000A>C on transcript NM_001605.3 (MANE Select); coding-DNA position 2000, A replaced by C.
Protein change: p.Tyr667Ser; replaces tyrosine 667 with serine.
Molecular consequence: missense variant.
Genome position (GRCh38, 1-based): chr16:70,258,210, T>G on the plus strand (A>C on the coding strand, the complement: AARS1 is on the minus strand). VCF-style: chr16-70258210-T-G. GRCh37 (hg19) VCF-style: chr16-70292113-T-G.
Other names: short protein forms Y667S.
Identifiers: ClinVar variation 2198612 (VCV002198612.4), dbSNP rs984593263, ClinGen allele CA396557860.
Genomic context (GRCh38, chr16:70,258,210, plus strand): 5'-TCAAACACAGCCCGTAGGCCCTGGATGGCTTTCGCTGCTGCCAGGGGGCAATCCTGGGTA[T>G]AGACGGCCTGCCAGACCAAGAAGACAGAAAAGAGCTGGAAGAGATCCCTGGAGGTGCGGT-3'
Protein context (NP_001596.2, residues 657-677): NEMIEAAKAV[Tyr667Ser]TQDCPLAAAK